The following is an entry in ClinVar:

ClinVar aggregate classification (germline): Uncertain significance (1 of 4 stars; one submission).

Submission:

GeneDx
Classification: Uncertain significance. Last evaluated: 2023-01-27. Review status: criteria provided, single submitter. Criteria: GeneDx Variant Classification Process June 2021. Collection method: clinical testing. Allele origin: germline. Affected: yes.
Comment: Not observed at significant frequency in large population cohorts (gnomAD); Frameshift variant predicted to result in protein truncation as the last 22 amino acids are replaced with 63 different amino acids, although loss-of-function variants have not been reported downstream of this position in the protein; Has not been previously published as pathogenic or benign to our knowledge

NM_005585.5(SMAD6):c.1422del (p.Cys475fs)

Gene: SMAD6 (SMAD family member 6; plus strand). Cytogenetic location: 15q22.31.
Variant type: Deletion.
Coding change: c.1422del on transcript NM_005585.5 (MANE Select); coding-DNA position 1422, one base deleted (C; older notation c.1422delC).
Protein change: p.Cys475fs; shifts the reading frame from cysteine 475.
Molecular consequence: frameshift variant. On other transcripts: non-coding transcript variant (1).
Genome position (GRCh38, 1-based): chr15:66,781,466, C deleted; the last of 3 consecutive C bases (chr15:66,781,464-66,781,466); deleting any one gives the same sequence. VCF-style (leftmost placement, unchanged base first): chr15-66781463-GC-G. GRCh37 (hg19) VCF-style: chr15-67073801-GC-G.
Other names: short protein forms C475fs.
Identifiers: ClinVar variation 2574266 (VCV002574266.1), dbSNP rs1894574206, ClinGen allele CA2184234959.